The following is an entry in ClinVar:

NM_144997.7(FLCN):c.223G>A (p.Gly75Arg)

Gene: FLCN (folliculin; minus strand). Cytogenetic location: 17p11.2.
Variant type: single nucleotide variant.
Coding change: c.223G>A on transcript NM_144997.7 (MANE Select); coding-DNA position 223, G replaced by A.
Protein change: p.Gly75Arg; replaces glycine 75 with arginine.
Molecular consequence: missense variant.
Genome position (GRCh38, 1-based): chr17:17,227,915, C>T on the plus strand (G>A on the coding strand, the complement: FLCN is on the minus strand). VCF-style: chr17-17227915-C-T. GRCh37 (hg19) VCF-style: chr17-17131229-C-T.
Other names: c.223G>A, p.Gly75Arg (NM_001353229.2, NM_001353230.2, NM_001353231.2 and 1 more transcripts); short protein forms G75R.
Identifiers: ClinVar variation 820940 (VCV000820940.10), dbSNP rs1597617348, ClinGen allele CA398535069.

ClinVar aggregate classification (germline): Uncertain significance. Review status: criteria provided, multiple submitters, no conflicts (2 of 4 stars). 2 submissions from 2 submitters: Uncertain significance (2). Last evaluated 2025-12-09.

Conditions:
Hereditary cancer-predisposing syndrome. Also called: Hereditary Cancer Syndrome; Neoplastic Syndromes, Hereditary; Hereditary neoplastic syndrome; Tumor predisposition. Identifiers: Orphanet 140162, MedGen C0027672, MeSH D009386, MONDO:0015356.
Birt-Hogg-Dube syndrome. Also called: Birt Hogg Dubé syndrome. Identifiers: Orphanet 122, MedGen C0346010, MONDO:0800444.

Allele frequency attached by ClinVar (database versions not stated): gnomAD exomes 0.00001.
gnomAD v4.1: 12 of 1,614,162 alleles (0.00074%); highest among the groups gnomAD compares: Non-Finnish European, 0.001%; no homozygotes.

Submissions (2):

Ambry Genetics
Classification: Uncertain significance for Hereditary cancer-predisposing syndrome. Last evaluated: 2025-12-09. Review status: criteria provided, single submitter. Criteria: Ambry Variant Classification Scheme 2023. Collection method: clinical testing. Allele origin: germline.
Comment: The p.G75R variant (also known as c.223G>A), located in coding exon 1 of the FLCN gene, results from a G to A substitution at nucleotide position 223. The glycine at codon 75 is replaced by arginine, an amino acid with dissimilar properties. This amino acid position is well conserved in available vertebrate species. In addition, the in silico prediction for this alteration is inconclusive. Since supporting evidence is limited at this time, the clinical significance of this alteration remains unclear.

Labcorp Genetics (formerly Invitae), Labcorp
Classification: Uncertain significance for Birt-Hogg-Dube syndrome. Last evaluated: 2025-11-24. Review status: criteria provided, single submitter. Criteria: Invitae Variant Classification Sherloc (09022015). Collection method: clinical testing. Allele origin: germline.
Comment: This sequence change replaces glycine, which is neutral and non-polar, with arginine, which is basic and polar, at codon 75 of the FLCN protein (p.Gly75Arg). This variant is not present in population databases (gnomAD no frequency). This variant has not been reported in the literature in individuals affected with FLCN-related conditions. ClinVar contains an entry for this variant (Variation ID: 820940). Invitae Evidence Modeling of protein sequence and biophysical properties (such as structural, functional, and spatial information, amino acid conservation, physicochemical variation, residue mobility, and thermodynamic stability) indicates that this missense variant is not expected to disrupt FLCN protein function with a negative predictive value of 80%. In summary, the available evidence is currently insufficient to determine the role of this variant in disease. Therefore, it has been classified as a Variant of Uncertain Significance.